The following is an entry in ClinVar:

ClinVar aggregate classification (germline): Uncertain significance. Review status: criteria provided, multiple submitters, no conflicts (2 of 4 stars). 3 submissions from 3 submitters: Uncertain significance (3). Last evaluated 2025-10-18.

Allele frequency attached by ClinVar (database versions not stated): gnomAD 0.00007; gnomAD exomes 0.00002 and 0.00003; ESP Exome Variant Server 0.00008; TOPMed 0.00010; ExAC 0.00004.
gnomAD v4.1: 40 of 1,610,000 alleles (0.0025%); highest among the groups gnomAD compares: African/African-American, 0.02%; no homozygotes.

Submissions (3):

Ambry Genetics
Classification: Uncertain significance. Last evaluated: 2025-10-18. Review status: criteria provided, single submitter. Criteria: Ambry Variant Classification Scheme 2023. Collection method: clinical testing. Allele origin: germline.

Labcorp Genetics (formerly Invitae), Labcorp
Classification: Uncertain significance. Last evaluated: 2022-08-15. Review status: criteria provided, single submitter. Criteria: Invitae Variant Classification Sherloc (09022015). Collection method: clinical testing. Allele origin: germline.
Comment: This sequence change replaces arginine, which is basic and polar, with glutamine, which is neutral and polar, at codon 265 of the CDCA7 protein (p.Arg265Gln). This variant is present in population databases (rs368968744, gnomAD 0.03%). This variant has not been reported in the literature in individuals affected with CDCA7-related conditions. ClinVar contains an entry for this variant (Variation ID: 1416797). Algorithms developed to predict the effect of missense changes on protein structure and function (SIFT, PolyPhen-2, Align-GVGD) all suggest that this variant is likely to be tolerated. In summary, the available evidence is currently insufficient to determine the role of this variant in disease. Therefore, it has been classified as a Variant of Uncertain Significance.

Breakthrough Genomics
Classification: Uncertain significance. Review status: criteria provided, single submitter. Criteria: ACMG Guidelines, 2015. Collection method: not provided. Allele origin: germline. Inheritance: Autosomal recessive inheritance. Affected: yes.

NM_031942.5(CDCA7):c.794G>A (p.Arg265Gln)

Gene: CDCA7 (cell division cycle associated 7; plus strand). Cytogenetic location: 2q31.1.
Variant type: single nucleotide variant.
Coding change: c.794G>A on transcript NM_031942.5 (MANE Select); coding-DNA position 794, G replaced by A.
Protein change: p.Arg265Gln; replaces arginine 265 with glutamine.
Molecular consequence: missense variant.
Genome position (GRCh38, 1-based): chr2:173,364,889, G>A. VCF-style: chr2-173364889-G-A. GRCh37 (hg19) VCF-style: chr2-174229617-G-A.
Other names: c.557G>A, p.Arg186Gln (NM_145810.3); c.794G>A (NM_031942.4); short protein forms R186Q, R265Q.
Identifiers: ClinVar variation 1416797 (VCV001416797.7), dbSNP rs368968744, ClinGen allele CA1971340.